The following is an entry in ClinVar:

NM_002435.3(MPI):c.10C>T (p.Pro4Ser)

Gene: MPI (mannose phosphate isomerase; plus strand). Cytogenetic location: 15q24.1.
Variant type: single nucleotide variant.
Coding change: c.10C>T on transcript NM_002435.3 (MANE Select); coding-DNA position 10, C replaced by T.
Protein change: p.Pro4Ser; replaces proline 4 with serine.
Molecular consequence: missense variant. On other transcripts: 5 prime UTR variant (2).
Genome position (GRCh38, 1-based): chr15:74,890,083, C>T. VCF-style: chr15-74890083-C-T. GRCh37 (hg19) VCF-style: chr15-75182424-C-T.
Other names: c.10C>T, p.Pro4Ser (NM_001289155.2, NM_001289157.2); c.-13C>T (NM_001289156.2); c.-140C>T (NM_001330372.2); short protein forms P4S.
Identifiers: ClinVar variation 282926 (VCV000282926.67), dbSNP rs143982014, ClinGen allele CA7662269.

ClinVar aggregate classification (germline): Conflicting classifications of pathogenicity. Review status: criteria provided, conflicting classifications (1 of 4 stars). 13 submissions from 13 submitters: Uncertain significance (2); Benign (1); Likely benign (4). 6 of the submissions do not count toward it. Last evaluated 2026-02-04.

Conditions:
MPI-related disorder. Also called: MPI-related condition.
MPI-congenital disorder of glycosylation. Also called: MPI-CDG; CDG Ib; MANNOSEPHOSPHATE ISOMERASE DEFICIENCY; PROTEIN-LOSING ENTEROPATHY-HEPATIC FIBROSIS SYNDROME; CONGENITAL DISORDER OF GLYCOSYLATION, TYPE Ib; MPI DEFICIENCY. Identifiers: Orphanet 79319, MedGen C1865145, MONDO:0011257, OMIM 602579.

Allele frequency attached by ClinVar (database versions not stated): 1000 Genomes Project 30x 0.00078; 1000 Genomes Project 0.00080; ESP Exome Variant Server 0.00131; gnomAD 0.00132 and 0.00133; gnomAD exomes 0.00134 and 0.00192; ExAC 0.00169; TOPMed 0.00182.
gnomAD v4.1: 2,262 of 1,607,936 alleles (0.14%); highest among the groups gnomAD compares: Middle Eastern, 2.3%; 13 homozygotes.

Submissions (13):

Labcorp Genetics (formerly Invitae), Labcorp
Classification: Likely benign for MPI-congenital disorder of glycosylation. Last evaluated: 2026-02-04. Review status: criteria provided, single submitter. Criteria: Invitae Variant Classification Sherloc (09022015). Collection method: clinical testing. Allele origin: germline.

Genomic Medicine Center of Excellence, King Faisal Specialist Hospital and Research Centre
Classification: Likely benign for MPI-congenital disorder of glycosylation. Last evaluated: 2025-07-30. Review status: criteria provided, single submitter. Criteria: ACMG Guidelines, 2015. Collection method: clinical testing. Allele origin: germline.

Blueprint Genetics
Classification: Likely benign. Last evaluated: 2024-11-05. Review status: criteria provided, single submitter. Criteria: ACMG Guidelines, 2015. Collection method: clinical testing. Allele origin: germline.

CeGaT Center for Human Genetics Tuebingen
Classification: Likely benign. Last evaluated: 2024-06-01. Review status: criteria provided, single submitter. Criteria: CeGaT Center For Human Genetics Tuebingen Variant Classification Criteria Version 2. Collection method: clinical testing. Allele origin: germline. Affected: yes. Observed: 3 variant alleles.
Comment: MPI: BS2

Illumina Laboratory Services, Illumina
Classification: Uncertain significance for MPI-congenital disorder of glycosylation. Last evaluated: 2018-01-12. Review status: criteria provided, single submitter. Criteria: ICSL Variant Classification Criteria 13 December 2019. Collection method: clinical testing. Allele origin: germline.

GeneDx
Classification: Benign. Last evaluated: 2017-12-26. Review status: criteria provided, single submitter. Criteria: GeneDx Variant Classification (06012015). Collection method: clinical testing. Allele origin: germline. Affected: yes.
Comment: This variant is considered likely benign or benign based on one or more of the following criteria: it is a conservative change, it occurs at a poorly conserved position in the protein, it is predicted to be benign by multiple in silico algorithms, and/or has population frequency not consistent with disease.

Eurofins Ntd Llc (ga)
Classification: Uncertain significance. Last evaluated: 2015-08-25. Review status: criteria provided, single submitter. Criteria: EGL Classification Definitions 2015. Collection method: clinical testing. Allele origin: germline. Observed: 1 variant allele, 1 heterozygote.

PreventionGenetics, part of Exact Sciences
Classification: Benign for MPI-related condition. Last evaluated: 2022-09-08. Review status: no assertion criteria provided. Collection method: clinical testing. Allele origin: germline. Not counted in ClinVar's aggregate classification.
Comment: This variant is classified as benign based on ACMG/AMP sequence variant interpretation guidelines (Richards et al. 2015 PMID: 25741868, with internal and published modifications).

Natera, Inc.
Classification: Benign for Congenital disorder of glycosylation type 1b. Last evaluated: 2019-10-21. Review status: no assertion criteria provided. Collection method: clinical testing. Allele origin: germline. Not counted in ClinVar's aggregate classification.

Clinical Genetics DNA and cytogenetics Diagnostics Lab, Erasmus MC, Erasmus Medical Center
Classification: Likely benign. Review status: no assertion criteria provided. Collection method: clinical testing. Allele origin: germline. Affected: yes. Study: VKGL Data-share Consensus. Not counted in ClinVar's aggregate classification.

Clinical Genetics, Academic Medical Center
Classification: Likely benign. Review status: no assertion criteria provided. Collection method: clinical testing. Allele origin: germline. Affected: yes. Study: VKGL Data-share Consensus. Not counted in ClinVar's aggregate classification.

Diagnostic Laboratory, Department of Genetics, University Medical Center Groningen
Classification: Likely benign for MPI-congenital disorder of glycosylation. Review status: no assertion criteria provided. Collection method: clinical testing. Allele origin: germline. Affected: yes. Study: VKGL Data-share Consensus. Not counted in ClinVar's aggregate classification.

Genome Diagnostics Laboratory, University Medical Center Utrecht
Classification: Likely benign. Review status: no assertion criteria provided. Collection method: clinical testing. Allele origin: germline. Affected: yes. Study: VKGL Data-share Consensus. Not counted in ClinVar's aggregate classification.